The following is an entry in ClinVar:

ClinVar aggregate classification (germline): Uncertain significance (1 of 4 stars; one submission).

gnomAD v4.1: 15 of 1,614,096 alleles (0.00093%); highest among the groups gnomAD compares: Non-Finnish European, 0.0012%; no homozygotes.

Submission:

GeneDx
Classification: Uncertain significance. Last evaluated: 2024-07-18. Review status: criteria provided, single submitter. Criteria: GeneDx Variant Classification Process June 2021. Collection method: clinical testing. Allele origin: germline. Affected: yes.
Comment: Not observed at significant frequency in large population cohorts (gnomAD); In silico analysis supports that this missense variant has a deleterious effect on protein structure/function; Has not been previously published as pathogenic or benign to our knowledge

NM_006922.4(SCN3A):c.1872C>A (p.Asn624Lys)

Gene: SCN3A (sodium voltage-gated channel alpha subunit 3; minus strand). Cytogenetic location: 2q24.3.
Variant type: single nucleotide variant.
Coding change: c.1872C>A on transcript NM_006922.4 (MANE Select); coding-DNA position 1872, C replaced by A.
Protein change: p.Asn624Lys; replaces asparagine 624 with lysine.
Molecular consequence: missense variant.
Genome position (GRCh38, 1-based): chr2:165,140,798, G>T on the plus strand (C>A on the coding strand, the complement: SCN3A is on the minus strand). VCF-style: chr2-165140798-G-T. GRCh37 (hg19) VCF-style: chr2-165997308-G-T.
Other names: c.1872C>A, p.Asn624Lys (NM_001081676.2, NM_001081677.2); short protein forms N624K.
Identifiers: ClinVar variation 3573904 (VCV003573904.1).